The following is an entry in ClinVar:

NM_194248.3(OTOF):c.5557_5560dup (p.Phe1854fs)

Gene: OTOF (otoferlin; minus strand). Cytogenetic location: 2p23.3.
Variant type: Duplication.
Coding change: c.5557_5560dup on transcript NM_194248.3 (MANE Select); coding-DNA positions 5557 to 5560, 4 bases duplicated (CGGT; older notation c.5557_5560dupCGGT).
Protein change: p.Phe1854fs; shifts the reading frame from phenylalanine 1854.
Molecular consequence: frameshift variant.
Genome position (GRCh38, 1-based): chr2:26,461,004-26,461,007, ACCG duplicated on the plus strand (CGGT on the coding strand, the reverse complement: OTOF is on the minus strand). VCF-style (leftmost placement, unchanged base first): chr2-26461003-A-AACCG. GRCh37 (hg19) VCF-style: chr2-26683871-A-AACCG.
Other names: c.5557_5560dup, p.Phe1854fs (NM_001287489.2); c.3256_3259dup, p.Phe1087fs (NM_004802.4, NM_194323.3); c.3487_3490dup, p.Phe1164fs (NM_194322.3); short protein forms F1164fs, F1087fs, F1854fs.
Identifiers: ClinVar variation 3652012 (VCV003652012.2).

ClinVar aggregate classification (germline): Pathogenic (1 of 4 stars; one submission).

Submission:

Labcorp Genetics (formerly Invitae), Labcorp
Classification: Pathogenic. Last evaluated: 2024-05-02. Review status: criteria provided, single submitter. Criteria: Invitae Variant Classification Sherloc (09022015). Collection method: clinical testing. Allele origin: germline.
Comment: This sequence change creates a premature translational stop signal (p.Phe1854Serfs*45) in the OTOF gene. It is expected to result in an absent or disrupted protein product. Loss-of-function variants in OTOF are known to be pathogenic (PMID: 18381613, 19250381, 22575033). This variant is not present in population databases (gnomAD no frequency). This variant has not been reported in the literature in individuals affected with OTOF-related conditions. For these reasons, this variant has been classified as Pathogenic.

Literature cited by the submitters: PubMed 18381613; PubMed 19250381; PubMed 22575033.